The following is an entry in ClinVar:

NM_032120.4(RBM48):c.359G>C (p.Cys120Ser)

Gene: RBM48 (RNA binding motif protein 48; plus strand). Cytogenetic location: 7q21.2.
Variant type: single nucleotide variant.
Coding change: c.359G>C on transcript NM_032120.4 (MANE Select); coding-DNA position 359, G replaced by C.
Protein change: p.Cys120Ser; replaces cysteine 120 with serine.
Molecular consequence: missense variant. On other transcripts: 5 prime UTR variant (1).
Genome position (GRCh38, 1-based): chr7:92,532,460, G>C. VCF-style: chr7-92532460-G-C. GRCh37 (hg19) VCF-style: chr7-92161774-G-C.
Other names: c.359G>C, p.Cys120Ser (NM_001363366.1); c.-331G>C (NM_001363367.1); c.359G>C (NM_032120.2); short protein forms C120S.
Identifiers: ClinVar variation 2962061 (VCV002962061.5), dbSNP rs376509478, ClinGen allele CA4341837.

ClinVar aggregate classification (germline): Uncertain significance. Review status: criteria provided, multiple submitters, no conflicts (2 of 4 stars). 2 submissions from 2 submitters: Uncertain significance (2). Last evaluated 2025-12-30.

Allele frequency attached by ClinVar (database versions not stated): ESP Exome Variant Server 0.00017; ExAC 0.00007; TOPMed 0.00008; gnomAD exomes 0.00011; gnomAD 0.00007.
gnomAD v4.1: 174 of 1,612,316 alleles (0.011%); highest among the groups gnomAD compares: Non-Finnish European, 0.014%; no homozygotes.

Submissions (2):

Labcorp Genetics (formerly Invitae), Labcorp
Classification: Uncertain significance. Last evaluated: 2025-12-30. Review status: criteria provided, single submitter. Criteria: Invitae Variant Classification Sherloc (09022015). Collection method: clinical testing. Allele origin: germline.
Comment: This sequence change replaces cysteine, which is neutral and slightly polar, with serine, which is neutral and polar, at codon 120 of the RBM48 protein (p.Cys120Ser). This variant is present in population databases (rs376509478, gnomAD 0.01%). This variant has not been reported in the literature in individuals affected with RBM48-related conditions. ClinVar contains an entry for this variant (Variation ID: 2962061). Invitae Evidence Modeling of protein sequence and biophysical properties (such as structural, functional, and spatial information, amino acid conservation, physicochemical variation, residue mobility, and thermodynamic stability) indicates that this missense variant is not expected to disrupt RBM48 protein function with a negative predictive value of 80%. In summary, the available evidence is currently insufficient to determine the role of this variant in disease. Therefore, it has been classified as a Variant of Uncertain Significance.

Ambry Genetics
Classification: Uncertain significance. Last evaluated: 2025-02-21. Review status: criteria provided, single submitter. Criteria: Ambry Variant Classification Scheme 2023. Collection method: clinical testing. Allele origin: germline.